The following is an entry in ClinVar:

ClinVar aggregate classification (germline): Pathogenic (1 of 4 stars; one submission).

Conditions:
Congenital factor VII deficiency. Identifiers: Orphanet 327, MedGen C0272320, MONDO:0009211, OMIM 227500.

gnomAD v4.1: 8 of 1,607,748 alleles (0.0005%); highest among the groups gnomAD compares: East Asian, 0.016%; no homozygotes.

Submission:

Juno Genomics, Hangzhou Juno Genomics, Inc
Classification: Pathogenic for Congenital factor VII deficiency. Review status: criteria provided, single submitter. Criteria: ACMG Guidelines, 2015. Collection method: clinical testing. Allele origin: germline.
Comment: Absent from controls (or at extremely low frequency if recessive) in Genome Aggregation Database.;Null variant in a gene where loss of function (LOF) is a known mechanism of disease.;For recessive disorders, detected in trans with a pathogenic variant.;Patient's phenotype or family history is highly specific for a disease with a single genetic etiology.

NM_019616.4(F7):c.506-1G>A

Gene: F7 (coagulation factor VII; plus strand). Cytogenetic location: 13q34.
Variant type: single nucleotide variant.
Coding change: c.506-1G>A on transcript NM_019616.4 (MANE Select); the canonical splice acceptor site of the intron before coding-DNA position 506, G replaced by A.
Molecular consequence: splice acceptor variant.
Genome position (GRCh38, 1-based): chr13:113,116,765, G>A. VCF-style: chr13-113116765-G-A. GRCh37 (hg19) VCF-style: chr13-113771079-G-A.
Other names: c.572-1G>A (NM_000131.5); c.320-1G>A (NM_001267554.2).
Identifiers: ClinVar variation 5019657 (VCV005019657.2).